The following is an entry in ClinVar:

ClinVar aggregate classification (germline): Uncertain significance (1 of 4 stars; one submission).

Conditions:
Hereditary cancer-predisposing syndrome. Also called: Neoplastic Syndromes, Hereditary; Hereditary Cancer Syndrome; Tumor predisposition; Hereditary neoplastic syndrome. Identifiers: Orphanet 140162, MedGen C0027672, MeSH D009386, MONDO:0015356.

gnomAD v4.1: 1 of 1,614,188 alleles (0.000062%); highest among the groups gnomAD compares: Non-Finnish European, 0.000085%; no homozygotes.

Submission:

Ambry Genetics
Classification: Uncertain significance for Hereditary cancer-predisposing syndrome. Last evaluated: 2025-01-29. Review status: criteria provided, single submitter. Criteria: Ambry Variant Classification Scheme 2023. Collection method: clinical testing. Allele origin: germline.
Comment: The p.Y921* variant (also known as c.2763C>A), located in coding exon 24 of the POLE gene, results from a C to A substitution at nucleotide position 2763. This changes the amino acid from a tyrosine to a stop codon within coding exon 24. This alteration is expected to result in loss of function by premature protein truncation or nonsense-mediated mRNA decay. Loss-of-function variants subject to nonsense mediated decay (NMD) in POLE are known to cause POLE deficiency; however, such associations with POLE-related polymerase proofreading-associated polyposis (PPAP) have not been reported. Based on the supporting evidence, this alteration is pathogenic for POLE deficiency; however, the association of this alteration with POLE-related PPAP is unknown.

NM_006231.4(POLE):c.2763C>A (p.Tyr921Ter)

Gene: POLE (DNA polymerase epsilon, catalytic subunit; minus strand). Cytogenetic location: 12q24.33.
Variant type: single nucleotide variant.
Coding change: c.2763C>A on transcript NM_006231.4 (MANE Select); coding-DNA position 2763, C replaced by A.
Protein change: p.Tyr921Ter; replaces tyrosine 921 with a stop codon.
Molecular consequence: nonsense.
Genome position (GRCh38, 1-based): chr12:132,661,628, G>T on the plus strand (C>A on the coding strand, the complement: POLE is on the minus strand). VCF-style: chr12-132661628-G-T. GRCh37 (hg19) VCF-style: chr12-133238214-G-T.
Other names: short protein forms Y921*.
Identifiers: ClinVar variation 3781520 (VCV003781520.1).